The following is an entry in ClinVar:

NM_000214.3(JAG1):c.1477A>G (p.Ser493Gly)

Gene: JAG1 (jagged canonical Notch ligand 1; minus strand). Cytogenetic location: 20p12.2.
Variant type: single nucleotide variant.
Coding change: c.1477A>G on transcript NM_000214.3 (MANE Select); coding-DNA position 1477, A replaced by G.
Protein change: p.Ser493Gly; replaces serine 493 with glycine.
Molecular consequence: missense variant.
Genome position (GRCh38, 1-based): chr20:10,648,641, T>C on the plus strand (A>G on the coding strand, the complement: JAG1 is on the minus strand). VCF-style: chr20-10648641-T-C. GRCh37 (hg19) VCF-style: chr20-10629289-T-C.
Other names: short protein forms S493G.
Identifiers: ClinVar variation 4852305 (VCV004852305.1).

ClinVar aggregate classification (germline): Likely benign (1 of 4 stars; one submission).

Conditions:
Alagille syndrome due to a JAG1 point mutation. Also called: HEPATIC DUCTULAR HYPOPLASIA, SYNDROMATIC; Alagille Syndrome 1; JAG1-Related Alagille Syndrome. Identifiers: Orphanet 261619, Orphanet 52, MedGen C1956125, MONDO:0016862, OMIM 118450.

gnomAD v4.1: 5 of 1,614,142 alleles (0.00031%); highest among the groups gnomAD compares: South Asian, 0.0022%; no homozygotes.

Submission:

Centre for Medical Genetics,  Mumbai
Classification: Likely benign for Alagille syndrome due to a JAG1 point mutation. Review status: criteria provided, single submitter. Criteria: ACMG Guidelines, 2015. Collection method: provider interpretation. Allele origin: germline. Inheritance: Autosomal dominant inheritance. Affected: no. Observed: 1 variant allele, 1 heterozygote.
Comment: The variant satisfies PM2 criteria - extremely low frequency in gnomAD population databases. The variant satisfies PP3 criteria - for a missense or a splicing region variant, computational prediction tools unanimously support a deleterious effect on the gene. The variant satisfies PP2 criteria - missense variant in a gene with low rate of benign missense mutations and for which missense mutation is a common mechanism of a disease. However, the variant satisfies BS2 criteria - present in heterozygous state in an individual that clinically does not have alagille syndrome.

Literature cited by the submitters: PubMed 9207787.